The following is an entry in ClinVar:

ClinVar aggregate classification (germline): Uncertain significance (1 of 4 stars; one submission).

gnomAD v4.1: 1 of 1,613,186 alleles (0.000062%); highest among the groups gnomAD compares: Non-Finnish European, 0.000085%; no homozygotes.

Submission:

Ambry Genetics
Classification: Uncertain significance. Last evaluated: 2025-03-28. Review status: criteria provided, single submitter. Criteria: Ambry Variant Classification Scheme 2023. Collection method: clinical testing. Allele origin: germline.
Comment: The p.P1750L variant (also known as c.5249C>T), located in coding exon 45 of the KIF1B gene, results from a C to T substitution at nucleotide position 5249. The proline at codon 1750 is replaced by leucine, an amino acid with similar properties. This amino acid position is conserved. In addition, this alteration is predicted to be deleterious by in silico analysis. Based on the available evidence, the clinical significance of this variant remains unclear.

NM_001365951.3(KIF1B):c.5387C>T (p.Pro1796Leu)

Gene: KIF1B (kinesin family member 1B; plus strand). Cytogenetic location: 1p36.22.
Variant type: single nucleotide variant.
Coding change: c.5387C>T on transcript NM_001365951.3 (MANE Select); coding-DNA position 5387, C replaced by T.
Protein change: p.Pro1796Leu; replaces proline 1796 with leucine.
Molecular consequence: missense variant.
Genome position (GRCh38, 1-based): chr1:10,375,352, C>T. VCF-style: chr1-10375352-C-T. GRCh37 (hg19) VCF-style: chr1-10435410-C-T.
Other names: c.5387C>T, p.Pro1796Leu (NM_001365952.1); c.5249C>T, p.Pro1750Leu (NM_015074.3); short protein forms P1796L, P1750L.
Identifiers: ClinVar variation 4043086 (VCV004043086.1).